The following is an entry in ClinVar:

NM_020822.3(KCNT1):c.648G>A (p.Met216Ile)

Gene: KCNT1 (potassium sodium-activated channel subfamily T member 1; plus strand). Cytogenetic location: 9q34.3.
Variant type: single nucleotide variant.
Coding change: c.648G>A on transcript NM_020822.3 (MANE Select); coding-DNA position 648, G replaced by A.
Protein change: p.Met216Ile; replaces methionine 216 with isoleucine.
Molecular consequence: missense variant.
Genome position (GRCh38, 1-based): chr9:135,757,203, G>A. VCF-style: chr9-135757203-G-A. GRCh37 (hg19) VCF-style: chr9-138649049-G-A.
Other names: c.504G>A, p.Met168Ile (NM_001272003.2); short protein forms M216I, M168I.
Identifiers: ClinVar variation 1927963 (VCV001927963.5), dbSNP rs769285406, ClinGen allele CA5326581.

ClinVar aggregate classification (germline): Uncertain significance (1 of 4 stars; one submission).

Conditions:
Autosomal dominant nocturnal frontal lobe epilepsy 5. Also called: CILIARY DYSKINESIA, PRIMARY, 28, WITHOUT SITUS INVERSUS; Epilepsy, nocturnal frontal lobe, 5; KCNT1-Related Epilepsy; CILIARY DYSKINESIA, PRIMARY, 28, WITH SITUS INVERSUS. Identifiers: Orphanet 98784, MedGen C3554306, MONDO:0014002, OMIM 615005.
Developmental and epileptic encephalopathy, 14 (DEE14). Also called: Early infantile epileptic encephalopathy 14. Identifiers: Orphanet 293181, MedGen C3554195, MONDO:0013989, OMIM 614959.

Allele frequency attached by ClinVar (database versions not stated): gnomAD exomes below 0.00001; ExAC 0.00001.
gnomAD v4.1: 1 of 1,610,898 alleles (0.000062%); highest among the groups gnomAD compares: Non-Finnish European, 0.000085%; no homozygotes.

Submission:

Labcorp Genetics (formerly Invitae), Labcorp
Classification: Uncertain significance for Autosomal dominant nocturnal frontal lobe epilepsy 5; Developmental and epileptic encephalopathy, 14. Last evaluated: 2022-10-26. Review status: criteria provided, single submitter. Criteria: Invitae Variant Classification Sherloc (09022015). Collection method: clinical testing. Allele origin: germline.
Comment: This sequence change replaces methionine, which is neutral and non-polar, with isoleucine, which is neutral and non-polar, at codon 216 of the KCNT1 protein (p.Met216Ile). This variant is present in population databases (rs769285406, gnomAD 0.006%). This variant has not been reported in the literature in individuals affected with KCNT1-related conditions. Advanced modeling of protein sequence and biophysical properties (such as structural, functional, and spatial information, amino acid conservation, physicochemical variation, residue mobility, and thermodynamic stability) performed at Invitae indicates that this missense variant is not expected to disrupt KCNT1 protein function. In summary, the available evidence is currently insufficient to determine the role of this variant in disease. Therefore, it has been classified as a Variant of Uncertain Significance.